The following is an entry in ClinVar:

NM_006982.3(ALX1):c.191G>T (p.Arg64Leu)

Genes: ALX1 (ALX homeobox 1; plus strand), LOC124629423 (Sharpr-MPRA regulatory region 79; plus strand). Cytogenetic location: 12q21.31.
Variant type: single nucleotide variant.
Coding change: c.191G>T on transcript NM_006982.3 (MANE Select); coding-DNA position 191, G replaced by T.
Protein change: p.Arg64Leu; replaces arginine 64 with leucine.
Molecular consequence: missense variant.
Genome position (GRCh38, 1-based): chr12:85,280,452, G>T. VCF-style: chr12-85280452-G-T. GRCh37 (hg19) VCF-style: chr12-85674230-G-T.
Other names: short protein forms R64L.
Identifiers: ClinVar variation 287469 (VCV000287469.44), dbSNP rs115596276, ClinGen allele CA6709460.

ClinVar aggregate classification (germline): Benign/Likely benign. Review status: criteria provided, multiple submitters, no conflicts (2 of 4 stars). 7 submissions from 7 submitters: Benign (1); Likely benign (5). 1 of the submissions does not count toward it. Last evaluated 2026-09-01.

Conditions:
Frontonasal dysplasia - severe microphthalmia - severe facial clefting syndrome. Identifiers: Orphanet 306542, MedGen C3150706, MONDO:0013271, OMIM 613456.
ALX1-related disorder. Also called: ALX1-related condition.

Allele frequency attached by ClinVar (database versions not stated): 1000 Genomes Project 30x 0.00141; 1000 Genomes Project 0.00160; gnomAD 0.00412; TOPMed 0.00438; ExAC 0.00439; ESP Exome Variant Server 0.00538.
gnomAD v4.1: 9,940 of 1,611,802 alleles (0.62%); highest among the groups gnomAD compares: Non-Finnish European, 0.75%; 40 homozygotes.

Submissions (7):

CeGaT Center for Human Genetics Tuebingen
Classification: Likely benign. Last evaluated: 2026-09-01. Review status: criteria provided, single submitter. Criteria: CeGaT Center For Human Genetics Tuebingen Variant Classification Criteria Version 2. Collection method: clinical testing. Allele origin: germline. Affected: yes. Observed: 3 variant alleles.
Comment: ALX1: BS2

Labcorp Genetics (formerly Invitae), Labcorp
Classification: Likely benign. Last evaluated: 2026-01-06. Review status: criteria provided, single submitter. Criteria: Invitae Variant Classification Sherloc (09022015). Collection method: clinical testing. Allele origin: germline.

Mendelics
Classification: Likely benign for Frontonasal dysplasia - severe microphthalmia - severe facial clefting syndrome. Last evaluated: 2019-05-28. Review status: criteria provided, single submitter. Criteria: Mendelics Assertion Criteria 2017. Collection method: clinical testing. Allele origin: unknown.

Genomic Diagnostic Laboratory, Division of Genomic Diagnostics, Children's Hospital of Philadelphia
Classification: Benign for Frontonasal dysplasia 3. Last evaluated: 2016-09-03. Review status: criteria provided, single submitter. Criteria: DGD Variant Analysis Guidelines. Collection method: clinical testing. Allele origin: germline. Affected: yes. Observed: 1 variant allele.
Comment: Clinical Testing

Eurofins Ntd Llc (ga)
Classification: Likely benign. Last evaluated: 2016-05-02. Review status: criteria provided, single submitter. Criteria: EGL Classification Definitions 2015. Collection method: clinical testing. Allele origin: germline. Observed: 3 variant alleles, 3 heterozygotes.

Breakthrough Genomics
Classification: Likely benign. Review status: criteria provided, single submitter. Criteria: ACMG Guidelines, 2015. Collection method: not provided. Allele origin: germline. Inheritance: Autosomal recessive inheritance. Affected: yes.

PreventionGenetics, part of Exact Sciences
Classification: Likely benign for ALX1-related condition. Last evaluated: 2019-04-30. Review status: no assertion criteria provided. Collection method: clinical testing. Allele origin: germline. Not counted in ClinVar's aggregate classification.
Comment: This variant is classified as likely benign based on ACMG/AMP sequence variant interpretation guidelines (Richards et al. 2015 PMID: 25741868, with internal and published modifications).

Literature cited by the submitters: PubMed 24467814 (cited by Eurofins Ntd Llc (ga)).